The following is an entry in ClinVar:

NM_007118.4(TRIO):c.6226A>G (p.Ile2076Val)

Gene: TRIO (trio Rho guanine nucleotide exchange factor; plus strand). Cytogenetic location: 5p15.2.
Variant type: single nucleotide variant.
Coding change: c.6226A>G on transcript NM_007118.4 (MANE Select); coding-DNA position 6226, A replaced by G.
Protein change: p.Ile2076Val; replaces isoleucine 2076 with valine.
Molecular consequence: missense variant. On other transcripts: non-coding transcript variant (1).
Genome position (GRCh38, 1-based): chr5:14,479,333, A>G. VCF-style: chr5-14479333-A-G. GRCh37 (hg19) VCF-style: chr5-14479442-A-G.
Other names: short protein forms I2076V.
Identifiers: ClinVar variation 1708906 (VCV001708906.2), dbSNP rs1755342689, ClinGen allele CA359233982.

ClinVar aggregate classification (germline): Uncertain significance (1 of 4 stars; one submission).

Submission:

GeneDx
Classification: Uncertain significance. Last evaluated: 2022-04-07. Review status: criteria provided, single submitter. Criteria: GeneDx Variant Classification Process June 2021. Collection method: clinical testing. Allele origin: germline. Affected: yes.
Comment: Not observed at significant frequency in large population cohorts (gnomAD); In silico analysis supports that this missense variant does not alter protein structure/function; Has not been previously published as pathogenic or benign to our knowledge